The following is an entry in ClinVar:

NM_004974.4(KCNA2):c.1129T>C (p.Tyr377His)

Gene: KCNA2 (potassium voltage-gated channel subfamily A member 2; minus strand). Cytogenetic location: 1p13.3.
Variant type: single nucleotide variant.
Coding change: c.1129T>C on transcript NM_004974.4 (MANE Select); coding-DNA position 1129, T replaced by C.
Protein change: p.Tyr377His; replaces tyrosine 377 with histidine.
Molecular consequence: missense variant. On other transcripts: intron variant (1).
Genome position (GRCh38, 1-based): chr1:110,603,654, A>G on the plus strand (T>C on the coding strand, the complement: KCNA2 is on the minus strand). VCF-style: chr1-110603654-A-G. GRCh37 (hg19) VCF-style: chr1-111146276-A-G.
Other names: c.894+235T>C (NM_001204269.2); short protein forms Y377H.
Identifiers: ClinVar variation 1715633 (VCV001715633.6), dbSNP rs2524616714, ClinGen allele CA341601729.

ClinVar aggregate classification (germline): Uncertain significance (1 of 4 stars; one submission).

Conditions:
Developmental and epileptic encephalopathy, 32 (DEE32). Also called: Epileptic encephalopathy, early infantile, 32. Identifiers: Orphanet 442835, MedGen C4225350, MONDO:0014607, OMIM 616366.

Submission:

Labcorp Genetics (formerly Invitae), Labcorp
Classification: Uncertain significance for Developmental and epileptic encephalopathy, 32. Last evaluated: 2022-08-08. Review status: criteria provided, single submitter. Criteria: Invitae Variant Classification Sherloc (09022015). Collection method: clinical testing. Allele origin: germline.
Comment: In summary, the available evidence is currently insufficient to determine the role of this variant in disease. Therefore, it has been classified as a Variant of Uncertain Significance. Advanced modeling of protein sequence and biophysical properties (such as structural, functional, and spatial information, amino acid conservation, physicochemical variation, residue mobility, and thermodynamic stability) performed at Invitae indicates that this missense variant is expected to disrupt KCNA2 protein function. This variant has not been reported in the literature in individuals affected with KCNA2-related conditions. This variant is not present in population databases (gnomAD no frequency). This sequence change replaces tyrosine, which is neutral and polar, with histidine, which is basic and polar, at codon 377 of the KCNA2 protein (p.Tyr377His).